The following is an entry in ClinVar:

ClinVar aggregate classification (germline): Conflicting classifications of pathogenicity. Review status: criteria provided, conflicting classifications (1 of 4 stars). 15 submissions from 13 submitters: Uncertain significance (2); Benign (9); Likely benign (1). 3 of the submissions do not count toward it. Last evaluated 2026-02-04.

Conditions:
Maturity-onset diabetes of the young type 13. Also called: MODY, TYPE 13. Identifiers: Orphanet 552, MedGen C4225365, MONDO:0014589, OMIM 616329.
Diabetes mellitus, transient neonatal, 3 (TNDM3). Identifiers: Orphanet 99886, MedGen C1864623, MONDO:0012522, OMIM 610582. Disease mechanism: loss of function.
Permanent neonatal diabetes mellitus (PNDM). Identifiers: Orphanet 99885, MedGen C1833104, MONDO:0100164, MONDO:0011643. Disease mechanism: gain of function.
Hyperinsulinemic hypoglycemia, familial, 2. Also called: HYPERINSULINEMIC HYPOGLYCEMIA, PERSISTENT; HYPERINSULINISM, NEONATAL. Identifiers: Orphanet 276580, Orphanet 276603, MedGen C2931833, MONDO:0011153, OMIM 601820. Disease mechanism: loss of function.
Hyperinsulinemia. Also called: Hyperinsulinism. Identifiers: MedGen C0020459, MONDO:0002177, HP:0000842.

Allele frequency attached by ClinVar (database versions not stated): 1000 Genomes Project 30x 0.00406; 1000 Genomes Project 0.00439; ExAC 0.01258; gnomAD exomes 0.01258 and 0.01872; gnomAD 0.01271 and 0.01289; TOPMed 0.01290; ESP Exome Variant Server 0.01563.

Submissions (15):

Labcorp Genetics (formerly Invitae), Labcorp
Classification: Benign. Last evaluated: 2026-02-04. Review status: criteria provided, single submitter. Criteria: Invitae Variant Classification Sherloc (09022015). Collection method: clinical testing. Allele origin: germline.

ARUP Laboratories, Molecular Genetics and Genomics, ARUP Laboratories
Classification: Benign. Last evaluated: 2025-05-21. Review status: criteria provided, single submitter. Criteria: ARUP Molecular Germline Variant Investigation Process 2024. Collection method: clinical testing. Allele origin: germline.

Blueprint Genetics
Classification: Likely benign. Last evaluated: 2024-11-27. Review status: criteria provided, single submitter. Criteria: ACMG Guidelines, 2015. Collection method: clinical testing. Allele origin: germline.

Genome-Nilou Lab
Classification: Benign for Hyperinsulinemic hypoglycemia, familial, 2. Last evaluated: 2021-05-18. Review status: criteria provided, single submitter. Criteria: ACMG Guidelines, 2015. Collection method: clinical testing. Allele origin: germline. Affected: no.

GeneDx
Classification: Benign. Last evaluated: 2021-02-08. Review status: criteria provided, single submitter. Criteria: GeneDx Variant Classification Process June 2021. Collection method: clinical testing. Allele origin: germline. Affected: yes.
Comment: This variant is associated with the following publications: (PMID: 16429405, 17316607, 15504982)

Illumina Laboratory Services, Illumina
Classification: Benign for Maturity-onset diabetes of the young type 13. Last evaluated: 2018-01-13. Review status: criteria provided, single submitter. Criteria: ICSL Variant Classification Criteria 13 December 2019. Collection method: clinical testing. Allele origin: germline.
Comment: This variant was observed in the ICSL laboratory as part of a predisposition screen in an ostensibly healthy population. It had not been previously curated by ICSL or reported in the Human Gene Mutation Database (HGMD: prior to June 1st, 2018), and was therefore a candidate for classification through an automated scoring system. Utilizing variant allele frequency, disease prevalence and penetrance estimates, and inheritance mode, an automated score was calculated to assess if this variant is too frequent to cause the disease. Based on the score and internal cut-off values, a variant classified as benign is not then subjected to further curation. The score for this variant resulted in a classification of benign for this disease.

Illumina Laboratory Services, Illumina
Classification: Uncertain significance for Hyperinsulinemic hypoglycemia, familial, 2. Last evaluated: 2018-01-13. Review status: criteria provided, single submitter. Criteria: ICSL Variant Classification Criteria 13 December 2019. Collection method: clinical testing. Allele origin: germline.

Illumina Laboratory Services, Illumina
Classification: Benign for Diabetes mellitus, transient neonatal, 3. Last evaluated: 2018-01-13. Review status: criteria provided, single submitter. Criteria: ICSL Variant Classification Criteria 13 December 2019. Collection method: clinical testing. Allele origin: germline.
Comment: the same text as in the submission from Illumina Laboratory Services, Illumina above.

Athena Diagnostics
Classification: Benign for Hyperinsulinemic hypoglycemia, familial, 2. Last evaluated: 2017-05-19. Review status: criteria provided, single submitter. Criteria: Athena Diagnostics Criteria. Collection method: clinical testing. Allele origin: germline.

Genetic Services Laboratory, University of Chicago
Classification: Benign. Last evaluated: 2013-02-08. Review status: criteria provided, single submitter. Criteria: ACMG Guidelines, 2007. Collection method: clinical testing. Allele origin: germline. Inheritance: Autosomal unknown.

Clinical Genomics, Uppaluri K&H Personalized Medicine Clinic
Classification: Uncertain significance for Hyperinsulinemia. Review status: criteria provided, single submitter. Criteria: K&H Uppaluri Personalized Medicine Clinic Variant Classification & Assertion Criteria. Collection method: research. Allele origin: somatic. Inheritance: Autosomal dominant inheritance.
Comment: Mutations in KCNJ11 gene can cause decreased production and secretion of insulin. This can lead to MODY which may be responsive to oral sulfonylureas. However, significance of rs8175351 is uncertain in Hyperinsulinemic Hypoglycemia of Infancy.

PreventionGenetics, part of Exact Sciences
Classification: Benign. Review status: criteria provided, single submitter. Criteria: ACMG Guidelines, 2015. Collection method: clinical testing. Allele origin: germline.

Natera, Inc.
Classification: Benign for Permanent neonatal diabetes mellitus. Last evaluated: 2020-09-16. Review status: no assertion criteria provided. Collection method: clinical testing. Allele origin: germline. Not counted in ClinVar's aggregate classification.

Joint Genome Diagnostic Labs from Nijmegen and Maastricht, Radboudumc and MUMC+
Classification: Benign. Review status: no assertion criteria provided. Collection method: clinical testing. Allele origin: germline. Affected: yes. Study: VKGL Data-share Consensus. Not counted in ClinVar's aggregate classification.

Laboratory of Diagnostic Genome Analysis, Leiden University Medical Center (LUMC)
Classification: Benign. Review status: no assertion criteria provided. Collection method: clinical testing. Allele origin: germline. Affected: yes. Study: VKGL Data-share Consensus. Not counted in ClinVar's aggregate classification.

Literature cited by the submitters: PubMed 25871929 (cited by Athena Diagnostics and Clinical Genomics, Uppaluri K&H Personalized Medicine Clinic); PubMed 16416420 (cited by Athena Diagnostics); PubMed 17316607 (cited by Athena Diagnostics); PubMed 24698822 (cited by Athena Diagnostics); PubMed 14871556 (cited by Athena Diagnostics); PubMed 15504982 (cited by Athena Diagnostics); PubMed 22471336 (cited by Athena Diagnostics).

NM_000525.4(KCNJ11):c.1143G>A (p.Lys381=)

Gene: KCNJ11 (potassium inwardly rectifying channel subfamily J member 11; minus strand). Cytogenetic location: 11p15.1.
Variant type: single nucleotide variant.
Coding change: c.1143G>A on transcript NM_000525.4 (MANE Select); coding-DNA position 1143, G replaced by A.
Protein change: p.Lys381=; no amino-acid change (lysine 381 retained).
Molecular consequence: synonymous variant.
Genome position (GRCh38, 1-based): chr11:17,386,949, C>T on the plus strand (G>A on the coding strand, the complement: KCNJ11 is on the minus strand). VCF-style: chr11-17386949-C-T. GRCh37 (hg19) VCF-style: chr11-17408496-C-T.
Other names: c.882G>A, p.Lys294= (NM_001166290.2, NM_001377296.1, NM_001377297.1).
Identifiers: ClinVar variation 158672 (VCV000158672.38), dbSNP rs8175351, ClinGen allele CA172320.
Genomic context (GRCh38, chr11:17,386,949, plus strand): 5'-ACGCGTGTGGGGGGCCCGAGAGACCATGGCTCAGGACAGGGAATCTGGAGAGATGCTGAA[C>T]TTGGGCTTGGCCTTGGCCATGGGCACGCTGCGCTTGCGCAGGGGCCCGCGGGCTGAGGCG-3'
Protein context (NP_000516.3, residues 371-390): RSVPMAKAKP[Lys381=]FSISPDSLS